The following is an entry in ClinVar:

NM_001040108.2(MLH3):c.2981A>C (p.Gln994Pro)

Gene: MLH3 (mutL homolog 3; minus strand). Cytogenetic location: 14q24.3.
Variant type: single nucleotide variant.
Coding change: c.2981A>C on transcript NM_001040108.2 (MANE Select); coding-DNA position 2981, A replaced by C.
Protein change: p.Gln994Pro; replaces glutamine 994 with proline.
Molecular consequence: missense variant.
Genome position (GRCh38, 1-based): chr14:75,046,675, T>G on the plus strand (A>C on the coding strand, the complement: MLH3 is on the minus strand). VCF-style: chr14-75046675-T-G. GRCh37 (hg19) VCF-style: chr14-75513378-T-G.
Other names: c.2981A>C, p.Gln994Pro (NM_014381.3); short protein forms Q994P.
Identifiers: ClinVar variation 1798404 (VCV001798404.2), dbSNP rs2503256511, ClinGen allele CA390437104.
Genomic context (GRCh38, chr14:75,046,675, plus strand): 5'-CCTGTGGCATCTTCTACCGGATTCATTAACATTCCACTGGGAGAGTCAAGACTTCCTATC[T>G]GTTGTTCTGAGGCTCTGATAAGAACATCTGAATCTTTACCGGTAACTTTAGAATTATTAT-3'
Protein context (NP_001035197.1, residues 984-1004): SDVLIRASEQ[Gln994Pro]IGSLDSPSGM

ClinVar aggregate classification (germline): Uncertain significance (1 of 4 stars; one submission).

Submission:

Ambry Genetics
Classification: Uncertain significance. Last evaluated: 2022-07-10. Review status: criteria provided, single submitter. Criteria: Ambry Variant Classification Scheme 2023. Collection method: clinical testing. Allele origin: germline.
Comment: The p.Q994P variant (also known as c.2981A>C), located in coding exon 1 of the MLH3 gene, results from an A to C substitution at nucleotide position 2981. The glutamine at codon 994 is replaced by proline, an amino acid with similar properties. This amino acid position is conserved. In addition, this alteration is predicted to be tolerated by in silico analysis. Since supporting evidence is limited at this time, the clinical significance of this alteration remains unclear.